The following is an entry in ClinVar:

NM_000052.7(ATP7A):c.2179G>A (p.Gly727Arg)

Gene: ATP7A (ATPase copper transporting alpha; plus strand). Cytogenetic location: Xq21.1.
Variant type: single nucleotide variant.
Coding change: c.2179G>A on transcript NM_000052.7 (MANE Select); coding-DNA position 2179, G replaced by A.
Protein change: p.Gly727Arg; replaces glycine 727 with arginine.
Molecular consequence: missense variant. On other transcripts: intron variant (1).
Genome position (GRCh38, 1-based): chrX:78,012,885, G>A. VCF-style: chrX-78012885-G-A. GRCh37 (hg19) VCF-style: chrX-77268382-G-A.
Other names: c.2172+1211G>A (NM_001282224.2); c.2179G>A (NM_000052.6); short protein forms G727R.
Identifiers: ClinVar variation 210418 (VCV000210418.18), dbSNP rs72554644, ClinGen allele CA277238.
Genomic context (GRCh38, chrX:78,012,885, plus strand): 5'-TATGTGAATTTCAGCATTTTTTAAAATTCAATGATTATCATTCCTATATTGCAGTTTTTC[G>A]GAGGCTGGTACTTCTACATTCAGGCTTATAAAGCACTGAAGCATAAGACAGCAAATATGG-3'
Protein context (NP_000043.4, residues 717-737): FLLCVPVQFF[Gly727Arg]GWYFYIQAYK

ClinVar aggregate classification (germline): Pathogenic/Likely pathogenic. Review status: criteria provided, multiple submitters, no conflicts (2 of 4 stars). 8 submissions from 8 submitters: Pathogenic (5); Likely pathogenic (1). 2 of the submissions do not count toward it. Last evaluated 2025-11-14.

Conditions:
Inborn genetic diseases. Identifiers: MedGen C0950123, MeSH D030342.
Cutis laxa, X-linked (OHS). Also called: EDS IX; Occipital horn syndrome. Identifiers: Orphanet 198, MedGen C0268353, MONDO:0010572, OMIM 304150.
X-linked distal spinal muscular atrophy type 3. Also called: NEURONOPATHY, DISTAL HEREDITARY MOTOR, X-LINKED; ATP7A-Related Distal Motor Neuropathy; SPINAL MUSCULAR ATROPHY, DISTAL, X-LINKED RECESSIVE; NEUROPATHY, DISTAL HEREDITARY MOTOR, X-LINKED. Identifiers: Orphanet 139557, MedGen C1845359, MONDO:0010338, OMIM 300489.
Menkes kinky-hair syndrome (MNK). Also called: Menkes Disease; Classic Menkes Disease; Copper transport disease. Identifiers: Orphanet 565, MedGen C0022716, MONDO:0010651, OMIM 309400.

Allele frequency attached by ClinVar (database versions not stated): gnomAD exomes below 0.00001.
gnomAD v4.1: 1 of 1,208,602 alleles (0.000083%); highest among the groups gnomAD compares: Non-Finnish European, 0.00011%; no homozygotes.

Submissions (8):

3billion
Classification: Likely pathogenic for Menkes kinky-hair syndrome. Last evaluated: 2025-11-14. Review status: criteria provided, single submitter. Criteria: ACMG Guidelines, 2015. Collection method: clinical testing. Allele origin: germline. Affected: yes.
Comment: The variant is observed at an extremely low frequency in the gnomAD v4.1.0 dataset (total allele frequency: <0.001%). Predicted Consequence/Location: Missense variant. The majority of the known disease-causing variants of this gene are variants expected to result in premature termination of the protein. In silico tool predictions suggest damaging effect of the variant on gene or gene product [REVEL: 0.74 (>=0.6, sensitivity 0.68 and specificity 0.92); 3Cnet: 0.76 (> 0.75, sensitivity 0.96 and precision 0.92)]. The same nucleotide change resulting in the same amino acid change has been previously reported as pathogenic/likely pathogenic with strong evidence (ClinVar ID: VCV000210418 /PMID: 7977350). A different missense change at the same codon (p.Gly727Glu) has been reported to be associated with ATP7A-related disorder (ClinVar ID: VCV001685249). Therefore, this variant is classified as Likely pathogenic according to the recommendation of ACMG/AMP guideline.

Women's Health and Genetics/Laboratory Corporation of America, LabCorp
Classification: Pathogenic for Menkes kinky-hair syndrome. Last evaluated: 2025-09-25. Review status: criteria provided, single submitter. Criteria: LabCorp Variant Classification Summary - May 2015. Collection method: clinical testing. Allele origin: germline.
Comment: Variant summary: ATP7A c.2179G>A (p.Gly727Arg) results in a non-conservative amino acid change in the encoded protein sequence. Algorithms developed to predict the effect of missense changes on protein structure and function all suggest that this variant is likely to be disruptive. The variant was absent in 183071 control chromosomes (gnomAD). The variant c.2179G>A has been observed in several individuals affected with Menkes kinky-hair syndrome (e.g. Tumer_1997, Tang_2008, Lee_2014). These data indicate that the variant is likely to be associated with disease. Publications also reported experimental evidence evaluating an impact on protein function, and demonstrated decreased protein levels, due to instability and degradation, with impaired copper transport activity (e.g. Tang_2008, Skjorringe_2017). The following publications have been ascertained in the context of this evaluation (PMID: 8981948, 18752978, 28389643, 24882692). ClinVar contains an entry for this variant (Variation ID: 210418). Based on the evidence outlined above, the variant was classified as pathogenic.

GeneDx
Classification: Pathogenic. Last evaluated: 2025-09-15. Review status: criteria provided, single submitter. Criteria: GeneDx Variant Classification Process June 2021. Collection method: clinical testing. Allele origin: germline.
Comment: Published functional studies demonstrate a damaging effect with protein instability and degradation, and hampered copper-induced trafficking (PMID: 18752978, 28389643); In silico analysis supports that this missense variant has a deleterious effect on protein structure/function; Not observed at significant frequency in large population cohorts (gnomAD); This variant is associated with the following publications: (PMID: 28397151, 30618512, 24882692, 7977350, 21208200, 28389643, 22264391, 20652413, 25428120, 18752978, 34430447, 33894639, 34390520, 27535533)

Labcorp Genetics (formerly Invitae), Labcorp
Classification: Pathogenic for X-linked distal spinal muscular atrophy type 3; Cutis laxa, X-linked; Menkes kinky-hair syndrome. Last evaluated: 2024-02-24. Review status: criteria provided, single submitter. Criteria: Invitae Variant Classification Sherloc (09022015). Collection method: clinical testing. Allele origin: germline.
Comment: This sequence change replaces glycine, which is neutral and non-polar, with arginine, which is basic and polar, at codon 727 of the ATP7A protein (p.Gly727Arg). This variant is not present in population databases (gnomAD no frequency). This missense change has been observed in individual(s) with ATP7A-related copper transport disorders (PMID: 18752978, 28389643, 28397151). In at least one individual the variant was observed to be de novo. ClinVar contains an entry for this variant (Variation ID: 210418). Advanced modeling of protein sequence and biophysical properties (such as structural, functional, and spatial information, amino acid conservation, physicochemical variation, residue mobility, and thermodynamic stability) performed at Invitae indicates that this missense variant is not expected to disrupt ATP7A protein function with a negative predictive value of 95%. Experimental studies have shown that this missense change affects ATP7A function (PMID: 18752978, 28389643). For these reasons, this variant has been classified as Pathogenic.

Ambry Genetics
Classification: Pathogenic for Inborn genetic diseases. Last evaluated: 2021-04-01. Review status: criteria provided, single submitter. Criteria: Ambry Variant Classification Scheme 2023. Collection method: clinical testing. Allele origin: germline.
Comment: The c.2179G>A (p.G727R) alteration is located in exon 10 (coding exon 9) of the ATP7A gene. This alteration results from a G to A substitution at nucleotide position 2179, causing the glycine (G) at amino acid position 727 to be replaced by an arginine (R). This mutation was identified in three males with Menkes disease (Tang, 2008). Internal structural analysis indicates that this alteration is more disruptive than a general cutoff for pathogenic variants (Gourdon, 2011). Western blot and RT-PCR analysis from patient fibroblasts demonstrated normal transcript levels, decreased protein levels, and increased protein degradation compared to wild type (Tang, 2008) Based on the available evidence, this alteration is classified as pathogenic.

Genetic Services Laboratory, University of Chicago
Classification: Pathogenic for Menkes disease. Last evaluated: 2013-02-08. Review status: criteria provided, single submitter. Criteria: ACMG Guidelines, 2007. Collection method: clinical testing. Allele origin: germline. Affected: yes.

Department of Reproductive Genetics, International Peace Maternity and Child Health Hospital, Shanghai Jiao Tong University School of Medicine
Classification: Likely pathogenic for Menkes disease. Last evaluated: 2025-05-01. Review status: no assertion criteria provided. Collection method: clinical testing. Allele origin: inherited. Affected: yes. Not counted in ClinVar's aggregate classification.

Inherited Neuropathy Consortium Ii, University Of Miami
Classification: Uncertain significance for Menkes kinky-hair syndrome. Last evaluated: 2016-01-06. Review status: no assertion criteria provided. Collection method: literature only. Allele origin: germline. Affected: yes. Not counted in ClinVar's aggregate classification.

Literature cited by the submitters: PubMed 7977350 (cited by 3billion); PubMed 8981948 (cited by Women's Health and Genetics/Laboratory Corporation of America, LabCorp and Inherited Neuropathy Consortium Ii, University Of Miami); PubMed 28389643 (cited by Women's Health and Genetics/Laboratory Corporation of America, LabCorp and Labcorp Genetics (formerly Invitae), Labcorp); PubMed 24882692 (cited by Women's Health and Genetics/Laboratory Corporation of America, LabCorp); PubMed 18752978 (cited by 3 submitters); PubMed 28397151 (cited by Labcorp Genetics (formerly Invitae), Labcorp and Department of Reproductive Genetics, International Peace Maternity and Child Health Hospital, Shanghai Jiao Tong University School of Medicine); PubMed 21716286 (cited by Ambry Genetics); PubMed 22264391 (cited by Ambry Genetics); PubMed 34430447 (cited by Department of Reproductive Genetics, International Peace Maternity and Child Health Hospital, Shanghai Jiao Tong University School of Medicine); PubMed 32293788 (cited by Department of Reproductive Genetics, International Peace Maternity and Child Health Hospital, Shanghai Jiao Tong University School of Medicine); PubMed 30618512 (cited by Department of Reproductive Genetics, International Peace Maternity and Child Health Hospital, Shanghai Jiao Tong University School of Medicine).